The following is an entry in ClinVar:

ClinVar aggregate classification (germline): Uncertain significance (1 of 4 stars; one submission).

Submission:

Labcorp Genetics (formerly Invitae), Labcorp
Classification: Uncertain significance. Last evaluated: 2023-11-28. Review status: criteria provided, single submitter. Criteria: Invitae Variant Classification Sherloc (09022015). Collection method: clinical testing. Allele origin: germline.
Comment: This sequence change replaces proline, which is neutral and non-polar, with glutamine, which is neutral and polar, at codon 975 of the ERBIN protein (p.Pro975Gln). This variant is not present in population databases (gnomAD no frequency). This variant has not been reported in the literature in individuals affected with ERBIN-related conditions. An algorithm developed to predict the effect of missense changes on protein structure and function (PolyPhen-2) suggests that this variant is likely to be disruptive. In summary, the available evidence is currently insufficient to determine the role of this variant in disease. Therefore, it has been classified as a Variant of Uncertain Significance.

NM_001253697.2(ERBIN):c.2924C>A (p.Pro975Gln)

Gene: ERBIN (erbb2 interacting protein; plus strand). Cytogenetic location: 5q12.3.
Variant type: single nucleotide variant.
Coding change: c.2924C>A on transcript NM_001253697.2 (MANE Select); coding-DNA position 2924, C replaced by A.
Protein change: p.Pro975Gln; replaces proline 975 with glutamine.
Molecular consequence: missense variant.
Genome position (GRCh38, 1-based): chr5:66,054,242, C>A. VCF-style: chr5-66054242-C-A. GRCh37 (hg19) VCF-style: chr5-65350070-C-A.
Other names: c.2924C>A, p.Pro975Gln (NM_001006600.3, NM_001253698.2, NM_001253699.2 and 1 more transcripts); c.2912C>A, p.Pro971Gln (NM_001253701.2); short protein forms P971Q, P975Q.
Identifiers: ClinVar variation 2752571 (VCV002752571.3), dbSNP rs2546813833, ClinGen allele CA359868227.